The following is an entry in ClinVar:

NM_001130004.2(ACTN1):c.1004A>C (p.Glu335Ala)

Gene: ACTN1 (actinin alpha 1; minus strand). Cytogenetic location: 14q24.1.
Variant type: single nucleotide variant.
Coding change: c.1004A>C on transcript NM_001130004.2 (MANE Select); coding-DNA position 1004, A replaced by C.
Protein change: p.Glu335Ala; replaces glutamic acid 335 with alanine.
Molecular consequence: missense variant.
Genome position (GRCh38, 1-based): chr14:68,892,135, T>G on the plus strand (A>C on the coding strand, the complement: ACTN1 is on the minus strand). VCF-style: chr14-68892135-T-G. GRCh37 (hg19) VCF-style: chr14-69358852-T-G.
Other names: c.1004A>C, p.Glu335Ala (NM_001102.4, NM_001130005.2, NM_001411035.1); c.809A>C, p.Glu270Ala (NM_001411036.1); short protein forms E335A, E270A.
Identifiers: ClinVar variation 1810649 (VCV001810649.1), dbSNP rs2503445454, ClinGen allele CA390188390.

ClinVar aggregate classification (germline): Uncertain significance (1 of 4 stars; one submission).

Submission:

GeneDx
Classification: Uncertain significance. Last evaluated: 2022-07-07. Review status: criteria provided, single submitter. Criteria: GeneDx Variant Classification Process June 2021. Collection method: clinical testing. Allele origin: germline. Affected: yes.
Comment: Not observed at significant frequency in large population cohorts (gnomAD); In silico analysis supports that this missense variant has a deleterious effect on protein structure/function; Has not been previously published as pathogenic or benign to our knowledge